The following is an entry in ClinVar:

NM_033109.5(PNPT1):c.1244T>C (p.Ile415Thr)

Gene: PNPT1 (polyribonucleotide nucleotidyltransferase 1; minus strand). Cytogenetic location: 2p16.1.
Variant type: single nucleotide variant.
Coding change: c.1244T>C on transcript NM_033109.5 (MANE Select); coding-DNA position 1244, T replaced by C.
Protein change: p.Ile415Thr; replaces isoleucine 415 with threonine.
Molecular consequence: missense variant.
Genome position (GRCh38, 1-based): chr2:55,661,959, A>G on the plus strand (T>C on the coding strand, the complement: PNPT1 is on the minus strand). VCF-style: chr2-55661959-A-G. GRCh37 (hg19) VCF-style: chr2-55889094-A-G.
Other names: short protein forms I415T.
Identifiers: ClinVar variation 1972837 (VCV001972837.2), dbSNP rs1696591595, ClinGen allele CA346928367.
Genomic context (GRCh38, chr2:55,661,959, plus strand): 5'-TTAATTATATAATAGAACATCATAAAACGTAACAAACATCTTAAAAACATAACTTACTTT[A>G]TAGCTGTTATAACTTGATCTGACTTAATACCAGATTCTAATGAATCAAATGTAACGGTAC-3'
Protein context (NP_149100.2, residues 405-425): GIKSDQVITA[Ile415Thr]NGIKDKNFML

ClinVar aggregate classification (germline): Uncertain significance (1 of 4 stars; one submission).

Allele frequency attached by ClinVar (database versions not stated): TOPMed 0.00001.

Submission:

Labcorp Genetics (formerly Invitae), Labcorp
Classification: Uncertain significance. Last evaluated: 2022-08-16. Review status: criteria provided, single submitter. Criteria: Invitae Variant Classification Sherloc (09022015). Collection method: clinical testing. Allele origin: germline.
Comment: This sequence change replaces isoleucine, which is neutral and non-polar, with threonine, which is neutral and polar, at codon 415 of the PNPT1 protein (p.Ile415Thr). This variant is not present in population databases (gnomAD no frequency). This variant has not been reported in the literature in individuals affected with PNPT1-related conditions. Advanced modeling of protein sequence and biophysical properties (such as structural, functional, and spatial information, amino acid conservation, physicochemical variation, residue mobility, and thermodynamic stability) performed at Invitae indicates that this missense variant is not expected to disrupt PNPT1 protein function. In summary, the available evidence is currently insufficient to determine the role of this variant in disease. Therefore, it has been classified as a Variant of Uncertain Significance.